The following is an entry in ClinVar:

NM_001378452.1(ITPR1):c.7438G>C (p.Asp2480His)

Gene: ITPR1 (inositol 1,4,5-trisphosphate receptor type 1; plus strand). Cytogenetic location: 3p26.1.
Variant type: single nucleotide variant.
Coding change: c.7438G>C on transcript NM_001378452.1 (MANE Select); coding-DNA position 7438, G replaced by C.
Protein change: p.Asp2480His; replaces aspartic acid 2480 with histidine.
Molecular consequence: missense variant.
Genome position (GRCh38, 1-based): chr3:4,811,430, G>C. VCF-style: chr3-4811430-G-C. GRCh37 (hg19) VCF-style: chr3-4853114-G-C.
Other names: c.7294G>C, p.Asp2432His (NM_001099952.4); c.7393G>C, p.Asp2465His (NM_001168272.2); c.7249G>C, p.Asp2417His (NM_002222.7); short protein forms D2417H, D2432H, D2465H, D2480H.
Identifiers: ClinVar variation 2429409 (VCV002429409.3), dbSNP rs2470166048, ClinGen allele CA351647911.
Genomic context (GRCh38, chr3:4,811,430, plus strand): 5'-GTTTACCTGTTCTCAATAGTGGGCTATCTTTTCTTCAAGGATGACTTTATCTTGGAAGTA[G>C]ATAGGCTGCCCAATGAAACAGCTGTTCCAGGTGGGTTTGGGATCTTCTGATCTTTTTAAT-3'
Protein context (NP_001365381.1, residues 2470-2490): FFKDDFILEV[Asp2480His]RLPNETAVPE

ClinVar aggregate classification (germline): Uncertain significance (1 of 4 stars; one submission).

Submission:

Illumina Laboratory Services, Illumina
Classification: Uncertain significance. Last evaluated: 2022-10-05. Review status: criteria provided, single submitter. Criteria: ICSL CNVClassificationCriteria Aug2020. Collection method: clinical testing. Allele origin: unknown. Affected: yes.
Comment: The ITPR1 c.7393G>C (p.Asp2465His) missense variant results in the substitution of aspartamine at amino acid position 2465 with histidine. To our knowledge, this variant has not been reported in the peer-reviewed literature. This variant is not found in version 2.1.1 or version 3.1.2 of the Genome Aggregation Database. The p.Asp2465His variant is located in the transmembrane domain, a region of the protein in which other disease-causing missense variants have been reported (PMID: 27862915; PMID: 28659154). However, the functional impact of this variant has not been evaluated experimentally and in silico predictions of pathogenicity are mixed. Based on the available evidence, the c.3767T>G (p.Met1256Arg) variant is classified as a variant of uncertain significance for ITPR1-related ataxias. The ITPR1 c.7393G>C (p.Asp2465His) missense variant results in the substitution of aspartatic acid at amino acid position 2465 with histidine. To our knowledge, this variant has not been reported in the peer-reviewed literature. This variant is not found in version 2.1.1 or version 3.1.2 of the Genome Aggregation Database. The p.Asp2465His variant is located in the transmembrane domain, a region of the protein in which other disease-causing missense variants have been reported (PMID: 27862915; PMID: 28659154). However, the functional impact of this variant has not been evaluated experimentally and in silico predictions of pathogenicity are mixed. Based on the available evidence, the c.7393G>C (p.Asp2465His) variant is classified as a variant of uncertain significance for ITPR1-related ataxias.

Literature cited by the submitters: PubMed 28659154; PubMed 27862915.